The following is an entry in ClinVar:

ClinVar aggregate classification (germline): Uncertain significance (1 of 4 stars; one submission).

Conditions:
Hereditary cancer-predisposing syndrome. Also called: Neoplastic Syndromes, Hereditary; Tumor predisposition; Hereditary Cancer Syndrome; Hereditary neoplastic syndrome. Identifiers: Orphanet 140162, MedGen C0027672, MeSH D009386, MONDO:0015356.

Submission:

Ambry Genetics
Classification: Uncertain significance for Hereditary cancer-predisposing syndrome. Last evaluated: 2026-06-08. Review status: criteria provided, single submitter. Criteria: Ambry Variant Classification Scheme 2023. Collection method: clinical testing. Allele origin: germline.
Comment: The p.S1374T variant (also known as c.4121G>C), located in coding exon 10 of the BRCA1 gene, results from a G to C substitution at nucleotide position 4121. The serine at codon 1374 is replaced by threonine, an amino acid with similar properties. This amino acid position is conserved. In addition, the in silico prediction for this alteration is inconclusive. Based on the available evidence, the clinical significance of this variant remains unclear.

NM_007294.4(BRCA1):c.4121G>C (p.Ser1374Thr)

Gene: BRCA1 (BRCA1 DNA repair associated; minus strand). Cytogenetic location: 17q21.31.
Variant type: single nucleotide variant.
Coding change: c.4121G>C on transcript NM_007294.4 (MANE Select); coding-DNA position 4121, G replaced by C.
Protein change: p.Ser1374Thr; replaces serine 1374 with threonine.
Molecular consequence: missense variant.
Genome position (GRCh38, 1-based): chr17:43,091,008, C>G on the plus strand (G>C on the coding strand, the complement: BRCA1 is on the minus strand). VCF-style: chr17-43091008-C-G. GRCh37 (hg19) VCF-style: chr17-41243025-C-G.
Other names: c.4121G>C, p.Ser1374Thr (NM_001407581.1, NM_001407582.1, NM_001407583.1 and 30 more transcripts); c.4118G>C, p.Ser1373Thr (NM_001407587.1, NM_001407590.1, NM_001407591.1 and 22 more transcripts); c.3908G>C, p.Ser1303Thr (NM_001407571.1, NM_001407915.1, NM_001407916.1 and 9 more transcripts); c.545G>C, p.Ser182Thr (NM_001408505.1, NM_001408503.1, NM_001408504.1); c.485G>C, p.Ser162Thr (NM_001408506.1, NM_001408507.1); c.476G>C, p.Ser159Thr (NM_001408508.1, NM_001408509.1); c.431G>C, p.Ser144Thr (NM_001408510.1); c.428G>C, p.Ser143Thr (NM_001408511.1); and 41 more; short protein forms S103T, S1078T, S1206T, S1246T, S1247T, S1262T, S1263T, S1285T.
Identifiers: ClinVar variation 4867749 (VCV004867749.1).